The following is an entry in ClinVar:

NM_000369.5(TSHR):c.1574T>C (p.Phe525Ser)

Genes: TSHR (thyroid stimulating hormone receptor; plus strand), TSHR-AS1 (TSHR antisense RNA 1; minus strand). Cytogenetic location: 14q31.1.
Variant type: single nucleotide variant.
Coding change: c.1574T>C on transcript NM_000369.5 (MANE Select); coding-DNA position 1574, T replaced by C.
Protein change: p.Phe525Ser; replaces phenylalanine 525 with serine.
Molecular consequence: missense variant.
Genome position (GRCh38, 1-based): chr14:81,143,632, T>C. VCF-style: chr14-81143632-T-C. GRCh37 (hg19) VCF-style: chr14-81609976-T-C.
Other names: short protein forms F525S.
Identifiers: ClinVar variation 1303168 (VCV001303168.11), dbSNP rs200138601, ClinGen allele CA7294488.

ClinVar aggregate classification (germline): Conflicting classifications of pathogenicity. Review status: criteria provided, conflicting classifications (1 of 4 stars). 8 submissions from 8 submitters: Likely pathogenic (4); Uncertain significance (4). Last evaluated 2026-07-17.

Conditions:
Ovarian cancer. Also called: OVARIAN CANCER, SOMATIC. Identifiers: Orphanet 213500, MedGen C1140680, MONDO:0008170, OMIM 167000.
TSHR-related disorder. Also called: TSHR-related disorders; TSHR-related condition.
Hypothyroidism due to TSH receptor mutations. Also called: Hypothyroidism, congenital, nongoitrous, 1; HYPOTHYROIDISM DUE TO UNRESPONSIVENESS TO THYROTROPIN; HYPOTHYROIDISM, CONGENITAL, DUE TO TSH RESISTANCE; HYPOTHYROIDISM, NONAUTOIMMUNE; THYROID-STIMULATING HORMONE, RESISTANCE TO; TSH RESISTANCE. Identifiers: Orphanet 90673, MedGen C3493776, MONDO:0010142, OMIM 275200.

Allele frequency attached by ClinVar (database versions not stated): gnomAD exomes 0.00014 and 0.00003; 1000 Genomes Project 0.00040; 1000 Genomes Project 30x 0.00047; gnomAD 0.00006 and 0.00008; TOPMed 0.00010; ExAC 0.00013.
gnomAD v4.1: 58 of 1,614,094 alleles (0.0036%); highest among the groups gnomAD compares: East Asian, 0.11%; no homozygotes.

Submissions (8):

PreventionGenetics, part of Exact Sciences
Classification: Uncertain significance for TSHR-related condition. Last evaluated: 2026-07-17. Review status: criteria provided, single submitter. Criteria: ACMG Guidelines, 2015. Collection method: clinical testing. Allele origin: germline.
Comment: The TSHR c.1574T>C variant is predicted to result in the amino acid substitution p.Phe525Ser. This variant, which resides within the second intracellular loop of the protein, has been reported in multiple individuals with congenital hypothyroidism, however it has also been observed in unaffected family members, as well as in individuals who harbored additional genetic variants, both in TSHR and other hypothyroidism genes, suggesting digenic inheritance and/or variable expressivity and penetrance (Lee et al. 2011. PubMed ID: 21707688; Long et al. 2018. PubMed ID: 30022773; Wang et al. 2020. PubMed ID: 32425884; Table S1, Zhang et al. 2021. PubMed ID: 34374102; Yang et al. 2021. PubMed ID: 34456971; Long et al. 2021. PubMed ID: 34539567; Zhang et al. 2021. PubMed ID: 34545167; Zhang et al. 2023. PubMed ID: 37390946). An in vitro study suggests this variant results in reduced protein function (Zhang et al. 2024. PubMed ID: 38433572). This variant is reported in 0.19% of alleles in individuals of East Asian descent in gnomAD and has conflicting classifications listed in ClinVar ranging from uncertain to likely pathogenic (Variation ID: 1303168). At this time, the clinical significance of this variant is uncertain due to the absence of conclusive functional and genetic evidence.

3billion
Classification: Likely pathogenic for Hypothyroidism due to TSH receptor mutations. Last evaluated: 2025-05-23. Review status: criteria provided, single submitter. Criteria: ACMG Guidelines, 2015. Collection method: clinical testing. Allele origin: germline. Affected: yes.
Comment: The variant is observed at an extremely low frequency in the gnomAD v4.1.0 dataset (total allele frequency: 0.004%). Predicted Consequence/Location: Missense variant The same nucleotide change resulting in the same amino acid change has been previously reported as pathogenic/likely pathogenic with strong evidence (ClinVar ID: VCV001303168 /PMID: 21707688). A different missense change at the same codon (p.Phe525Leu) has been reported to be associated with TSHR-related disorder (ClinVar ID: VCV000006443 /PMID: 8954020). Therefore, this variant is classified as Likely pathogenic according to the recommendation of ACMG/AMP guideline.

Victorian Clinical Genetics Services, Murdoch Childrens Research Institute
Classification: Likely pathogenic for Hypothyroidism due to TSH receptor mutations. Last evaluated: 2024-10-08. Review status: criteria provided, single submitter. Criteria: ACMG Guidelines, 2015. Collection method: clinical testing. Allele origin: germline. Inheritance: Autosomal recessive inheritance. Affected: yes.
Comment: Based on the classification scheme VCGS_Germline_v1.3.4, this variant is classified as Likely pathogenic. Following criteria are met: 0103 - Loss of function and dominant negative are known mechanisms of disease in this gene and are associated with hyperthyroidism, familial gestational, AD (MIM#603373), hyperthyroidism, nonautoimmune, AD (MIM#609152), hypothyroidism, congenital, nongoitrous 1, AR (MIM#275200). Gain of function has been suggested in familial autosomal dominant hyperthyroidism (PMID: 9385128) and dominant negative has been reported for C41S (PMID: 23154162). (I) 0108 - This gene is associated with both recessive and dominant disease (OMIM; PMID: 17526952). (I) 0115 - Variants in this gene are known to have variable expressivity. Biallelic variants have been associated with a more severe disease form (OMIM). (I) 0200 - Variant is predicted to result in a missense amino acid change from phenylalanine to serine. (I) 0251 - This variant is heterozygous. (I) 0304 - Variant is present in gnomAD <0.01 (v2: 39 heterozygotes, 0 homozygotes). (SP) 0501 - Missense variant consistently predicted to be damaging by multiple in silico tools or highly conserved with a major amino acid change. (SP) 0601 - Variant is located in the well-established functional intracellular loop motif. Deletion constructs encompassing the variant demonstrated decreased basal cAMP activity and substantially lower TSH-stimulated activity than compared to wild-type (PMID: 15498884). (SP) 0704 - Another missense variant comparable to the one identified in this case has limited previous evidence for pathogenicity. p.(Phe525Leu) has been reported as compound heterozygous with p.(Cys41Ser) in an individual affected with increased plasma TSH concentrations (PMID: 8954020). (SP) 0809 - Previous evidence of pathogenicity for this variant is inconclusive. It has been reported in individuals affected with congenital hypothyroidism and has been classified variant of uncertain significance (ClinVar; PMID: 34539567) and unclassified (PMID: 21707688; PMID: 30022773; PMID: 32425884). (I) 0905 - No published segregation evidence has been identified for this variant. (I) 1007 - No published functional evidence has been identified for this variant. (I) 1208 - Inheritance information for this variant is not currently available in this individual. (I) Legend: (SP) - Supporting pathogenic, (I) - Information, (SB) - Supporting benign

Women's Health and Genetics/Laboratory Corporation of America, LabCorp
Classification: Uncertain significance. Last evaluated: 2023-05-30. Review status: criteria provided, single submitter. Criteria: LabCorp Variant Classification Summary - May 2015. Collection method: clinical testing. Allele origin: germline.
Comment: Variant summary: TSHR c.1574T>C (p.Phe525Ser) results in a non-conservative amino acid change located in the GPCR, rhodopsin-like, 7TM (IPR017452) of the encoded protein sequence. Three of five in-silico tools predict a damaging effect of the variant on protein function. The variant allele was found at a frequency of 0.00014 in 251340 control chromosomes (gnomAD). c.1574T>C has been reported in the literature in heterozygous individuals affected with Hypothyroidism without strong evidence of causality and without other pathogenic TSHR variants (e.g. Lee_2011, Long_2018, Wang_2020, Xue_2021, Li_2023). These reports do not provide unequivocal conclusions about association of the variant with Hypothyroidism Due To TSH Receptor Mutations. To our knowledge, no experimental evidence demonstrating an impact on protein function has been reported. The following publications have been ascertained in the context of this evaluation (PMID: 21707688, 30022773, 32425884, 34377013, 36125728). Two submitters have provided clinical-significance assessments for this variant to ClinVar after 2014, and classified it as likely pathogenic (n=1) or uncertain significance (n=1). Based on the evidence outlined above, the variant was classified as uncertain significance.

Laboratory of Molecular Epidemiology of Birth Defects, West China Second University Hospital, Sichuan University
Classification: Likely pathogenic for Ovarian cancer. Last evaluated: 2022-01-01. Review status: criteria provided, single submitter. Criteria: ACMG Guidelines, 2015. Collection method: clinical testing. Allele origin: germline. Affected: yes.

GeneDx
Classification: Uncertain significance. Last evaluated: 2019-05-10. Review status: criteria provided, single submitter. Criteria: GeneDx Variant Classification Process June 2021. Collection method: clinical testing. Allele origin: germline. Affected: yes.
Comment: In silico analysis, which includes protein predictors and evolutionary conservation, supports a deleterious effect; This variant is associated with the following publications: (PMID: 16955277, 30022773, 21707688, 30612563, 27498126, 29973617, 32425884)

Breakthrough Genomics
Classification: Uncertain significance. Review status: criteria provided, single submitter. Criteria: ACMG Guidelines, 2015. Collection method: not provided. Allele origin: germline. Inheritance: Autosomal recessive inheritance. Affected: yes.

Juno Genomics, Hangzhou Juno Genomics, Inc
Classification: Likely pathogenic for Hypothyroidism due to TSH receptor mutations. Review status: criteria provided, single submitter. Criteria: ACMG Guidelines, 2015. Collection method: clinical testing. Allele origin: germline.
Comment: Absent from controls (or at extremely low frequency if recessive) in Genome Aggregation Database.;Well-established in vitro or in vivo functional studies supportive of a damaging effect on the gene or gene product.;For recessive disorders, detected in trans with a pathogenic variant.;Patient's phenotype or family history is highly specific for a disease with a single genetic etiology.

Literature cited by the submitters: PubMed 21707688 (cited by 3 submitters); PubMed 8954020 (cited by 3billion and Victorian Clinical Genetics Services, Murdoch Childrens Research Institute); PubMed 9385128 (cited by Victorian Clinical Genetics Services, Murdoch Childrens Research Institute); PubMed 15498884 (cited by Victorian Clinical Genetics Services, Murdoch Childrens Research Institute); PubMed 17526952 (cited by Victorian Clinical Genetics Services, Murdoch Childrens Research Institute); PubMed 23154162 (cited by Victorian Clinical Genetics Services, Murdoch Childrens Research Institute); PubMed 30022773 (cited by Victorian Clinical Genetics Services, Murdoch Childrens Research Institute and Women's Health and Genetics/Laboratory Corporation of America, LabCorp); PubMed 32425884 (cited by Victorian Clinical Genetics Services, Murdoch Childrens Research Institute and Women's Health and Genetics/Laboratory Corporation of America, LabCorp); PubMed 34539567 (cited by Victorian Clinical Genetics Services, Murdoch Childrens Research Institute); PubMed 36125728 (cited by Women's Health and Genetics/Laboratory Corporation of America, LabCorp); PubMed 34377013 (cited by Women's Health and Genetics/Laboratory Corporation of America, LabCorp).